The following is an entry in ClinVar:

ClinVar aggregate classification (germline): Uncertain significance. Review status: criteria provided, multiple submitters, no conflicts (2 of 4 stars). 3 submissions from 3 submitters: Uncertain significance (3). Last evaluated 2025-10-30.

Conditions:
Hereditary cancer-predisposing syndrome. Also called: Neoplastic Syndromes, Hereditary; Tumor predisposition; Hereditary Cancer Syndrome; Hereditary neoplastic syndrome. Identifiers: Orphanet 140162, MedGen C0027672, MeSH D009386, MONDO:0015356.
Familial adenomatous polyposis 1 (FAP1). Also called: FAMILIAL ADENOMATOUS POLYPOSIS 1, ATTENUATED; POLYPOSIS, ADENOMATOUS INTESTINAL. Identifiers: MedGen C2713442, MONDO:0021056, OMIM 175100. Disease mechanism: loss of function.

Allele frequency attached by ClinVar (database versions not stated): gnomAD exomes below 0.00001.
gnomAD v4.1: 2 of 1,613,940 alleles (0.00012%); highest among the groups gnomAD compares: Non-Finnish European, 0.00017%; no homozygotes.

Submissions (3):

Ambry Genetics
Classification: Uncertain significance for Hereditary cancer-predisposing syndrome. Last evaluated: 2025-10-30. Review status: criteria provided, single submitter. Criteria: Ambry Variant Classification Scheme 2023. Collection method: clinical testing. Allele origin: germline.
Comment: The p.S2417P variant (also known as c.7249T>C), located in coding exon 15 of the APC gene, results from a T to C substitution at nucleotide position 7249. The serine at codon 2417 is replaced by proline, an amino acid with similar properties. This amino acid position is highly conserved in available vertebrate species. In addition, in silico predictors for this gene do not accurately predict pathogenicity. Missense variants in APC are not a common cause of disease (Spier I et al. Genet Med. 2024 Feb;26(2):100992). Based on the available evidence, the clinical significance of this variant remains unclear.

Color Diagnostics, LLC DBA Color Health
Classification: Uncertain significance for Hereditary cancer-predisposing syndrome. Last evaluated: 2023-12-05. Review status: criteria provided, single submitter. Criteria: ACMG Guidelines, 2015. Collection method: clinical testing. Allele origin: germline.
Comment: This missense variant replaces serine with proline at codon 2417 of the APC protein. Computational prediction suggests that this variant may not impact protein structure and function (internally defined REVEL score threshold <= 0.5, PMID: 27666373). To our knowledge, functional studies have not been reported for this variant. This variant has not been reported in individuals affected with APC-related disorders in the literature. This variant has not been identified in the general population by the Genome Aggregation Database (gnomAD). The available evidence is insufficient to determine the role of this variant in disease conclusively. Therefore, this variant is classified as a Variant of Uncertain Significance.

Labcorp Genetics (formerly Invitae), Labcorp
Classification: Uncertain significance for Familial adenomatous polyposis 1. Last evaluated: 2023-08-07. Review status: criteria provided, single submitter. Criteria: Invitae Variant Classification Sherloc (09022015). Collection method: clinical testing. Allele origin: germline.
Comment: ClinVar contains an entry for this variant (Variation ID: 924511). This variant has not been reported in the literature in individuals affected with APC-related conditions. This variant is not present in population databases (gnomAD no frequency). This sequence change replaces serine, which is neutral and polar, with proline, which is neutral and non-polar, at codon 2417 of the APC protein (p.Ser2417Pro). Advanced modeling of protein sequence and biophysical properties (such as structural, functional, and spatial information, amino acid conservation, physicochemical variation, residue mobility, and thermodynamic stability) performed at Invitae indicates that this missense variant is not expected to disrupt APC protein function. In summary, the available evidence is currently insufficient to determine the role of this variant in disease. Therefore, it has been classified as a Variant of Uncertain Significance.

NM_000038.6(APC):c.7249T>C (p.Ser2417Pro)

Gene: APC (APC regulator of Wnt signaling pathway; plus strand). Cytogenetic location: 5q22.2.
Variant type: single nucleotide variant.
Coding change: c.7249T>C on transcript NM_000038.6 (MANE Select); coding-DNA position 7249, T replaced by C.
Protein change: p.Ser2417Pro; replaces serine 2417 with proline.
Molecular consequence: missense variant.
Genome position (GRCh38, 1-based): chr5:112,842,843, T>C. VCF-style: chr5-112842843-T-C. GRCh37 (hg19) VCF-style: chr5-112178540-T-C.
Other names: c.7249T>C, p.Ser2417Pro (NM_001127510.3, NM_001354895.2); c.7195T>C, p.Ser2399Pro (NM_001127511.3); c.7303T>C, p.Ser2435Pro (NM_001354896.2); c.7279T>C, p.Ser2427Pro (NM_001354897.2); c.7174T>C, p.Ser2392Pro (NM_001354898.2); c.7165T>C, p.Ser2389Pro (NM_001354899.2); c.7126T>C, p.Ser2376Pro (NM_001354900.2); c.7072T>C, p.Ser2358Pro (NM_001354901.2); and 5 more; short protein forms S2326P, S2392P, S2134P, S2257P, S2316P, S2291P, S2389P, S2417P.
Identifiers: ClinVar variation 924511 (VCV000924511.17), dbSNP rs1766427195, ClinGen allele CA16037122.